The following is an entry in ClinVar:

NM_006231.4(POLE):c.4654_4655del (p.Thr1552fs)

Gene: POLE (DNA polymerase epsilon, catalytic subunit; minus strand). Cytogenetic location: 12q24.33.
Variant type: Microsatellite.
Coding change: c.4654_4655del on transcript NM_006231.4 (MANE Select); coding-DNA positions 4654 to 4655, 2 bases deleted (AC; older notation c.4654_4655delAC).
Protein change: p.Thr1552fs; shifts the reading frame from threonine 1552.
Molecular consequence: frameshift variant.
Genome position (GRCh38, 1-based): chr12:132,642,893-132,642,894, GT deleted on the plus strand (AC on the coding strand, the reverse complement: POLE is on the minus strand); deleting any 2 consecutive bases within chr12:132,642,893-132,642,898 gives the same sequence; the c. name uses the placement nearest the transcript's 3' end. VCF-style (leftmost placement, unchanged base first): chr12-132642892-GGT-G. GRCh37 (hg19) VCF-style: chr12-133219478-GGT-G.
Other names: c.4654_4655delAC (NM_006231.3); short protein forms T1552fs.
Identifiers: ClinVar variation 540725 (VCV000540725.13), dbSNP rs1555222708, ClinGen allele CA658798025.

ClinVar aggregate classification (germline): Conflicting classifications of pathogenicity. Review status: criteria provided, conflicting classifications (1 of 4 stars). 2 submissions from 2 submitters: Pathogenic (1); Uncertain significance (1). Last evaluated 2025-10-19.

Conditions:
Hereditary cancer-predisposing syndrome. Also called: Neoplastic Syndromes, Hereditary; Hereditary Cancer Syndrome; Hereditary neoplastic syndrome; Tumor predisposition. Identifiers: Orphanet 140162, MedGen C0027672, MeSH D009386, MONDO:0015356.

Submissions (2):

Labcorp Genetics (formerly Invitae), Labcorp
Classification: Pathogenic. Last evaluated: 2025-10-19. Review status: criteria provided, single submitter. Criteria: Invitae Variant Classification Sherloc (09022015). Collection method: clinical testing. Allele origin: germline.
Comment: This sequence change creates a premature translational stop signal (p.Thr1552Leufs*8) in the POLE gene. It is expected to result in an absent or disrupted protein product. Loss-of-function variants in POLE are known to be pathogenic (PMID: 23230001, 25948378, 30503519). This variant is not present in population databases (gnomAD no frequency). This variant has not been reported in the literature in individuals affected with POLE-related conditions. For these reasons, this variant has been classified as Pathogenic.

Ambry Genetics
Classification: Uncertain significance for Hereditary cancer-predisposing syndrome. Last evaluated: 2019-12-16. Review status: criteria provided, single submitter. Criteria: Ambry Variant Classification Scheme 2023. Collection method: clinical testing. Allele origin: germline.
Comment: The c.4654_4655delAC (p.T1552LFS*8) alteration, located in exon 36 (coding exon 36) of the POLE gene, consists of a deletion of 2 nucleotides from position 4654 to 4655, causing a translational frameshift with a predicted alternate stop codon after 8 amino acids. Frameshift alterations are typically deleterious in nature (Richards, 2015). Based on insufficient or conflicting evidence, the clinical significance of this alteration remains unclear.

Literature cited by the submitters: PubMed 23230001 (cited by Labcorp Genetics (formerly Invitae), Labcorp); PubMed 25948378 (cited by Labcorp Genetics (formerly Invitae), Labcorp); PubMed 30503519 (cited by Labcorp Genetics (formerly Invitae), Labcorp).